The following is an entry in ClinVar:

ClinVar aggregate classification (germline): Uncertain significance. Review status: criteria provided, multiple submitters, no conflicts (2 of 4 stars). 4 submissions from 4 submitters: Uncertain significance (3). 1 of the submissions does not count toward it. Last evaluated 2025-10-24.

Conditions:
Inborn genetic diseases. Identifiers: MedGen C0950123, MeSH D030342.
Usher syndrome type 1C. Also called: USHER SYNDROME, TYPE I, ACADIAN VARIETY. Identifiers: Orphanet 231169, Orphanet 886, MedGen C1848604, MONDO:0010171, OMIM 276904.

Allele frequency attached by ClinVar (database versions not stated): gnomAD 0.00001; TOPMed 0.00002; gnomAD exomes 0.00005.
gnomAD v4.1: 71 of 1,613,946 alleles (0.0044%); highest among the groups gnomAD compares: Middle Eastern, 0.016%; no homozygotes.

Submissions (4):

Ambry Genetics
Classification: Uncertain significance for Inborn genetic diseases. Last evaluated: 2025-10-24. Review status: criteria provided, single submitter. Criteria: Ambry Variant Classification Scheme 2023. Collection method: clinical testing. Allele origin: germline.

Labcorp Genetics (formerly Invitae), Labcorp
Classification: Uncertain significance. Last evaluated: 2022-07-06. Review status: criteria provided, single submitter. Criteria: Invitae Variant Classification Sherloc (09022015). Collection method: clinical testing. Allele origin: germline.
Comment: This sequence change replaces glycine, which is neutral and non-polar, with serine, which is neutral and polar, at codon 471 of the USH1C protein (p.Gly471Ser). This variant is present in population databases (rs727505083, gnomAD 0.003%). This variant has not been reported in the literature in individuals affected with USH1C-related conditions. ClinVar contains an entry for this variant (Variation ID: 179726). Algorithms developed to predict the effect of missense changes on protein structure and function are either unavailable or do not agree on the potential impact of this missense change (SIFT: "Deleterious"; PolyPhen-2: "Probably Damaging"; Align-GVGD: "Class C0"). In summary, the available evidence is currently insufficient to determine the role of this variant in disease. Therefore, it has been classified as a Variant of Uncertain Significance.

Laboratory for Molecular Medicine, Mass General Brigham Personalized Medicine
Classification: Uncertain significance. Last evaluated: 2014-05-09. Review status: criteria provided, single submitter. Criteria: LMM Criteria. Collection method: clinical testing. Allele origin: germline. Observed: 1 variant allele.
Comment: The Gly771Ser variant in USH1C has not been previously reported in individuals w ith hearing loss and was absent from large population studies. Computational pre diction tools and conservation analyses do not provide strong support for or aga inst an impact to the protein. In summary, the clinical significance of the Gly7 71Ser variant is uncertain.

Natera, Inc.
Classification: Uncertain significance for Usher syndrome type 1C. Last evaluated: 2019-11-11. Review status: no assertion criteria provided. Collection method: clinical testing. Allele origin: germline. Not counted in ClinVar's aggregate classification.

NM_153676.4(USH1C):c.2311G>A (p.Gly771Ser)

Gene: USH1C (USH1 protein network component harmonin; minus strand). Cytogenetic location: 11p15.1.
Variant type: single nucleotide variant.
Coding change: c.2311G>A on transcript NM_153676.4 (MANE Select); coding-DNA position 2311, G replaced by A.
Protein change: p.Gly771Ser; replaces glycine 771 with serine.
Molecular consequence: missense variant. On other transcripts: non-coding transcript variant (1).
Genome position (GRCh38, 1-based): chr11:17,501,120, C>T on the plus strand (G>A on the coding strand, the complement: USH1C is on the minus strand). VCF-style: chr11-17501120-C-T. GRCh37 (hg19) VCF-style: chr11-17522667-C-T.
Other names: c.1411G>A (NM_005709.3); c.1354G>A, p.Gly452Ser (NM_001297764.2); c.1411G>A, p.Gly471Ser (NM_005709.4); short protein forms G471S, G771S, G452S.
Identifiers: ClinVar variation 179726 (VCV000179726.9), dbSNP rs727505083, ClinGen allele CA185003.